The following is an entry in ClinVar:

ClinVar aggregate classification (germline): Likely benign. Review status: criteria provided, multiple submitters, no conflicts (2 of 4 stars). 3 submissions from 3 submitters: Likely benign (2). 1 of the submissions does not count toward it. Last evaluated 2022-09-23.

Conditions:
FH-related disorder. Also called: FH-related condition; FH-related disorders.

Allele frequency attached by ClinVar (database versions not stated): gnomAD exomes 0.00001; gnomAD 0.00005 and 0.00006; TOPMed 0.00009.

Submissions (3):

Quest Diagnostics Nichols Institute San Juan Capistrano
Classification: Likely benign. Last evaluated: 2022-09-23. Review status: criteria provided, single submitter. Criteria: Quest Diagnostics criteria. Collection method: clinical testing. Allele origin: unknown.

GeneDx
Classification: Likely benign. Last evaluated: 2017-11-03. Review status: criteria provided, single submitter. Criteria: GeneDx Variant Classification (06012015). Collection method: clinical testing. Allele origin: germline. Affected: yes.
Comment: This variant is considered likely benign or benign based on one or more of the following criteria: it is a conservative change, it occurs at a poorly conserved position in the protein, it is predicted to be benign by multiple in silico algorithms, and/or has population frequency not consistent with disease.

PreventionGenetics, part of Exact Sciences
Classification: Likely benign for FH-related condition. Last evaluated: 2019-09-20. Review status: no assertion criteria provided. Collection method: clinical testing. Allele origin: germline. Not counted in ClinVar's aggregate classification.
Comment: This variant is classified as likely benign based on ACMG/AMP sequence variant interpretation guidelines (Richards et al. 2015 PMID: 25741868, with internal and published modifications).

NM_000143.4(FH):c.-10C>T

Gene: FH (fumarate hydratase; minus strand). Cytogenetic location: 1q43.
Variant type: single nucleotide variant.
Coding change: c.-10C>T on transcript NM_000143.4 (MANE Select); 10 bases upstream of the start codon, C replaced by T.
Molecular consequence: 5 prime UTR variant.
Genome position (GRCh38, 1-based): chr1:241,519,732, G>A on the plus strand (C>T on the coding strand, the complement: FH is on the minus strand). VCF-style: chr1-241519732-G-A. GRCh37 (hg19) VCF-style: chr1-241683032-G-A.
Identifiers: ClinVar variation 513188 (VCV000513188.4), dbSNP rs998842505, ClinGen allele CA40338223.